The following is an entry in ClinVar:

ClinVar aggregate classification (germline): Uncertain significance. Review status: criteria provided, multiple submitters, no conflicts (2 of 4 stars). 2 submissions from 2 submitters: Uncertain significance (2). Last evaluated 2025-09-28.

Allele frequency attached by ClinVar (database versions not stated): gnomAD exomes 0.00002; TOPMed 0.00002; ExAC 0.00001; gnomAD 0.00001.
gnomAD v4.1: 13 of 1,613,902 alleles (0.00081%); highest among the groups gnomAD compares: South Asian, 0.0044%; no homozygotes.

Submissions (2):

Ambry Genetics
Classification: Uncertain significance. Last evaluated: 2025-09-28. Review status: criteria provided, single submitter. Criteria: Ambry Variant Classification Scheme 2023. Collection method: clinical testing. Allele origin: germline.

Labcorp Genetics (formerly Invitae), Labcorp
Classification: Uncertain significance. Last evaluated: 2022-08-16. Review status: criteria provided, single submitter. Criteria: Invitae Variant Classification Sherloc (09022015). Collection method: clinical testing. Allele origin: germline.
Comment: This sequence change replaces arginine, which is basic and polar, with tryptophan, which is neutral and slightly polar, at codon 238 of the EXOSC2 protein (p.Arg238Trp). This variant is present in population databases (rs561877923, gnomAD 0.006%). This variant has not been reported in the literature in individuals affected with EXOSC2-related conditions. ClinVar contains an entry for this variant (Variation ID: 836952). Algorithms developed to predict the effect of missense changes on protein structure and function are either unavailable or do not agree on the potential impact of this missense change (SIFT: "Deleterious"; PolyPhen-2: "Probably Damaging"; Align-GVGD: "Class C0"). In summary, the available evidence is currently insufficient to determine the role of this variant in disease. Therefore, it has been classified as a Variant of Uncertain Significance.

NM_014285.7(EXOSC2):c.712C>T (p.Arg238Trp)

Gene: EXOSC2 (exosome component 2; plus strand). Cytogenetic location: 9q34.12.
Variant type: single nucleotide variant.
Coding change: c.712C>T on transcript NM_014285.7 (MANE Select); coding-DNA position 712, C replaced by T.
Protein change: p.Arg238Trp; replaces arginine 238 with tryptophan.
Molecular consequence: missense variant. On other transcripts: non-coding transcript variant (1).
Genome position (GRCh38, 1-based): chr9:130,703,092, C>T. VCF-style: chr9-130703092-C-T. GRCh37 (hg19) VCF-style: chr9-133578479-C-T.
Other names: c.712C>T (NM_014285.5); c.634C>T, p.Arg212Trp (NM_001282708.1); c.622C>T, p.Arg208Trp (NM_001282709.1); short protein forms R208W, R238W, R212W.
Identifiers: ClinVar variation 836952 (VCV000836952.7), dbSNP rs561877923, ClinGen allele CA5284966.